The following is an entry in ClinVar:

NM_001371986.1(UNC80):c.298+3T>C

Gene: UNC80 (unc-80 subunit of NALCN channel complex; plus strand). Cytogenetic location: 2q34.
Variant type: single nucleotide variant.
Coding change: c.298+3T>C on transcript NM_001371986.1 (MANE Select); 3 bases into the intron after coding-DNA position 298, T replaced by C.
Molecular consequence: intron variant.
Genome position (GRCh38, 1-based): chr2:209,776,048, T>C. VCF-style: chr2-209776048-T-C. GRCh37 (hg19) VCF-style: chr2-210640772-T-C.
Other names: c.298+3T>C (NM_032504.2, NM_182587.4).
Identifiers: ClinVar variation 2124866 (VCV002124866.4), dbSNP rs1257720480, ClinGen allele CA2580065489.

ClinVar aggregate classification (germline): Uncertain significance (1 of 4 stars; one submission).

Submission:

Labcorp Genetics (formerly Invitae), Labcorp
Classification: Uncertain significance. Last evaluated: 2022-04-18. Review status: criteria provided, single submitter. Criteria: Invitae Variant Classification Sherloc (09022015). Collection method: clinical testing. Allele origin: germline.
Comment: This sequence change falls in intron 3 of the UNC80 gene. It does not directly change the encoded amino acid sequence of the UNC80 protein. It affects a nucleotide within the consensus splice site. This variant is not present in population databases (gnomAD no frequency). This variant has not been reported in the literature in individuals affected with UNC80-related conditions. Variants that disrupt the consensus splice site are a relatively common cause of aberrant splicing (PMID: 17576681, 9536098). Algorithms developed to predict the effect of sequence changes on RNA splicing suggest that this variant is not likely to affect RNA splicing. In summary, the available evidence is currently insufficient to determine the role of this variant in disease. Therefore, it has been classified as a Variant of Uncertain Significance.

Literature cited by the submitters: PubMed 17576681; PubMed 9536098.